The following is an entry in ClinVar:

NM_012275.3(IL36RN):c.205_212del (p.Ser69fs)

Gene: IL36RN (interleukin 36 receptor antagonist; plus strand). Cytogenetic location: 2q14.1.
Variant type: Deletion.
Coding change: c.205_212del on transcript NM_012275.3 (MANE Select); coding-DNA positions 205 to 212, 8 bases deleted (TCATGTGG; older notation c.205_212delTCATGTGG).
Protein change: p.Ser69fs; shifts the reading frame from serine 69.
Molecular consequence: frameshift variant.
Genome position (GRCh38, 1-based): chr2:113,062,213-113,062,220, TCATGTGG deleted; deleting any 8 consecutive bases within chr2:113,062,212-113,062,220 gives the same sequence; the c. name uses the placement nearest the transcript's 3' end. VCF-style (leftmost placement, unchanged base first): chr2-113062211-TGTCATGTG-T. GRCh37 (hg19) VCF-style: chr2-113819788-TGTCATGTG-T.
Other names: c.205_212del, p.Ser69fs (NM_173170.1); short protein forms S69fs.
Identifiers: ClinVar variation 3776767 (VCV003776767.1).

ClinVar aggregate classification (germline): Pathogenic (1 of 4 stars; one submission).

Conditions:
Acrodermatitis continua suppurativa of Hallopeau (PSORS14). Also called: INTERLEUKIN 36 RECEPTOR ANTAGONIST DEFICIENCY; ACRODERMATITIS CONTINUA OF HALLOPEAU; Psoriasis 14, pustular. Identifiers: Orphanet 163931, MedGen C0392439, MONDO:0013626, OMIM 614204.

Submission:

Kasturba Medical College, Manipal, Kasturba Medical College, Manipal, Manipal Academy of Higher Education, Manipal, India
Classification: Pathogenic for Acrodermatitis continua suppurativa of Hallopeau. Review status: criteria provided, single submitter. Criteria: ACMG Guidelines, 2015. Collection method: research. Allele origin: biparental. Inheritance: Autosomal recessive inheritance. Affected: yes. Observed: 1 homozygote.
Comment: This variant is not found in homozygous and/or heterozygous state in the gnomAD population database (v4.1.0) or our in-house database of 3369 exomes. This variant is predicted to cause shift in the reading frame of the transcript which can either cause the transcript to undergo nonsense-mediated mRNA decay or lead to formation of a truncated protein product.